The following is an entry in ClinVar:

ClinVar aggregate classification (germline): Likely benign. Review status: criteria provided, multiple submitters, no conflicts (2 of 4 stars). 4 submissions from 4 submitters: Likely benign (4). Last evaluated 2026-09-01.

Conditions:
FMN2-related disorder. Also called: FMN2-related condition.

Submissions (4):

CeGaT Center for Human Genetics Tuebingen
Classification: Likely benign. Last evaluated: 2026-09-01. Review status: criteria provided, single submitter. Criteria: CeGaT Center For Human Genetics Tuebingen Variant Classification Criteria Version 2. Collection method: clinical testing. Allele origin: germline. Affected: yes. Observed: 15 variant alleles.
Comment: FMN2: BP4, BP7

Blueprint Genetics
Classification: Likely benign. Last evaluated: 2024-11-21. Review status: criteria provided, single submitter. Criteria: ACMG Guidelines, 2015. Collection method: clinical testing. Allele origin: germline.

PreventionGenetics, part of Exact Sciences
Classification: Likely benign for FMN2-related condition. Last evaluated: 2021-04-29. Review status: criteria provided, single submitter. Criteria: ACMG Guidelines, 2015. Collection method: clinical testing. Allele origin: germline.
Comment: This variant is classified as likely benign based on ACMG/AMP sequence variant interpretation guidelines (Richards et al. 2015 PMID: 25741868, with internal and published modifications).

Breakthrough Genomics
Classification: Likely benign. Review status: criteria provided, single submitter. Criteria: ACMG Guidelines, 2015. Collection method: not provided. Allele origin: germline. Inheritance: Autosomal recessive inheritance. Affected: yes.

NM_020066.5(FMN2):c.2934A>T (p.Pro978=)

Gene: FMN2 (formin 2; plus strand). Cytogenetic location: 1q43.
Variant type: single nucleotide variant.
Coding change: c.2934A>T on transcript NM_020066.5 (MANE Select); coding-DNA position 2934, A replaced by T.
Protein change: p.Pro978=; no amino-acid change (proline 978 retained).
Molecular consequence: synonymous variant. On other transcripts: intron variant (1).
Genome position (GRCh38, 1-based): chr1:240,207,746, A>T. VCF-style: chr1-240207746-A-T. GRCh37 (hg19) VCF-style: chr1-240371046-A-T.
Other names: c.2934A>T (NM_020066.4); c.2946A>T, p.Pro982= (NM_001305424.2); c.1986+19484A>T (NM_001348094.2).
Identifiers: ClinVar variation 1675411 (VCV001675411.36), dbSNP rs201199944, ClinGen allele CA1476897.
Genomic context (GRCh38, chr1:240,207,746, plus strand): 5'-TCTTCCCGGGGCAGGCATACCCCTTCCTCCCCCTCTTCCCGGAGCAGGAATACCTCCTCC[A>T]CCCCCTCTACCCGGAGCGGGCATACCCCCTCCTCCCCCACTTCCCGGAGCGGGCATACCC-3'
Protein context (NP_064450.3, residues 968-988): PPLPGAGIPP[Pro978=]PPLPGAGIPP